The following is an entry in ClinVar:

ClinVar aggregate classification (germline): Pathogenic (1 of 4 stars; one submission).

Allele frequency attached by ClinVar (database versions not stated): gnomAD 0.00001.
gnomAD v4.1: 2 of 1,613,782 alleles (0.00012%); highest among the groups gnomAD compares: African/African-American, 0.0027%; no homozygotes.

Submission:

Labcorp Genetics (formerly Invitae), Labcorp
Classification: Pathogenic. Last evaluated: 2023-02-01. Review status: criteria provided, single submitter. Criteria: Invitae Variant Classification Sherloc (09022015). Collection method: clinical testing. Allele origin: germline.
Comment: This sequence change creates a premature translational stop signal (p.Gln617*) in the ADAMTSL4 gene. It is expected to result in an absent or disrupted protein product. Loss-of-function variants in ADAMTSL4 are known to be pathogenic (PMID: 20564469, 28642162). This variant is not present in population databases (gnomAD no frequency). This variant has not been reported in the literature in individuals affected with ADAMTSL4-related conditions. For these reasons, this variant has been classified as Pathogenic.

Literature cited by the submitters: PubMed 20564469; PubMed 28642162.

NM_019032.6(ADAMTSL4):c.1849C>T (p.Gln617Ter)

Genes: ADAMTSL4 (ADAMTS like 4; plus strand), ADAMTSL4-AS2 (ADAMTSL4 antisense RNA 2; minus strand). Cytogenetic location: 1q21.2.
Variant type: single nucleotide variant.
Coding change: c.1849C>T on transcript NM_019032.6 (MANE Select); coding-DNA position 1849, C replaced by T.
Protein change: p.Gln617Ter; replaces glutamine 617 with a stop codon.
Molecular consequence: nonsense. On other transcripts: intron variant (1).
Genome position (GRCh38, 1-based): chr1:150,557,038, C>T. VCF-style: chr1-150557038-C-T. GRCh37 (hg19) VCF-style: chr1-150529514-C-T.
Other names: c.1918C>T, p.Gln640Ter (NM_001288608.2); c.1849C>T, p.Gln617Ter (NM_001378596.1, NM_025008.5); c.1856+62C>T (NM_001288607.2); short protein forms Q640*, Q617*.
Identifiers: ClinVar variation 2833831 (VCV002833831.3), dbSNP rs1672208678, ClinGen allele CA342313441.